The following is an entry in ClinVar:

ClinVar aggregate classification (germline): Uncertain significance (1 of 4 stars; one submission).

Conditions:
ELANE-related disorder. Also called: ELANE-related condition.

gnomAD v4.1: 6 of 1,609,924 alleles (0.00037%); highest among the groups gnomAD compares: South Asian, 0.0011%; no homozygotes.

Submission:

PreventionGenetics, part of Exact Sciences
Classification: Uncertain significance for ELANE-related condition. Last evaluated: 2022-11-24. Review status: criteria provided, single submitter. Criteria: ACMG Guidelines, 2015. Collection method: clinical testing. Allele origin: germline.
Comment: The ELANE c.10G>C variant is predicted to result in the amino acid substitution p.Gly4Arg. To our knowledge, this variant has not been reported in the literature. This variant is reported in 0.0033% of alleles in individuals of South Asian descent in gnomAD. At this time, the clinical significance of this variant is uncertain due to the absence of conclusive functional and genetic evidence.

NM_001972.4(ELANE):c.10G>C (p.Gly4Arg)

Gene: ELANE (elastase, neutrophil expressed; plus strand). Cytogenetic location: 19p13.3.
Variant type: single nucleotide variant.
Coding change: c.10G>C on transcript NM_001972.4 (MANE Select); coding-DNA position 10, G replaced by C.
Protein change: p.Gly4Arg; replaces glycine 4 with arginine.
Molecular consequence: missense variant.
Genome position (GRCh38, 1-based): chr19:852,338, G>C. VCF-style: chr19-852338-G-C. GRCh37 (hg19) VCF-style: chr19-852338-G-C.
Other names: short protein forms G4R.
Identifiers: ClinVar variation 2635364 (VCV002635364.1), dbSNP rs773460580, ClinGen allele CA402914162.